The following is an entry in ClinVar:

NM_004415.4(DSP):c.50T>C (p.Met17Thr)

Genes: DSP-AS1 (DSP antisense RNA 1; minus strand), DSP (desmoplakin; plus strand). Cytogenetic location: 6p24.3.
Variant type: single nucleotide variant.
Coding change: c.50T>C on transcript NM_004415.4 (MANE Select); coding-DNA position 50, T replaced by C.
Protein change: p.Met17Thr; replaces methionine 17 with threonine.
Molecular consequence: missense variant.
Genome position (GRCh38, 1-based): chr6:7,541,965, T>C. VCF-style: chr6-7541965-T-C. GRCh37 (hg19) VCF-style: chr6-7542198-T-C.
Other names: c.50T>C, p.Met17Thr (NM_001008844.3, NM_001319034.2); c.50T>C (NM_004415.2); short protein forms M17T.
Identifiers: ClinVar variation 1431128 (VCV001431128.10), dbSNP rs559248100, ClinGen allele CA362675586.

ClinVar aggregate classification (germline): Uncertain significance. Review status: criteria provided, multiple submitters, no conflicts (2 of 4 stars). 3 submissions from 3 submitters: Uncertain significance (3). Last evaluated 2025-08-30.

Conditions:
Arrhythmogenic right ventricular dysplasia 8 (ARVD8). Also called: ARRHYTHMOGENIC RIGHT VENTRICULAR DYSPLASIA, FAMILIAL, 8; ARRHYTHMOGENIC RIGHT VENTRICULAR CARDIOMYOPATHY 8; Arrhythmogenic Right Ventricular Dysplasia/Cardiomyopathy 8. Identifiers: MedGen C1843896, MONDO:0011831, OMIM 607450.
Arrhythmogenic cardiomyopathy with wooly hair and keratoderma. Also called: Arrhythmogenic cardiomyopathy with woolly hair and keratoderma; PALMOPLANTAR KERATODERMA WITH LEFT VENTRICULAR CARDIOMYOPATHY AND WOOLLY HAIR; Carvajal syndrome; Dilated cardiomyopathy with woolly hair and keratoderma. Identifiers: Orphanet 65282, MedGen C1854063, MONDO:0011581, OMIM 605676.
Cardiovascular phenotype. Identifiers: MedGen CN230736.

Submissions (3):

Labcorp Genetics (formerly Invitae), Labcorp
Classification: Uncertain significance for Arrhythmogenic cardiomyopathy with wooly hair and keratoderma; Arrhythmogenic right ventricular dysplasia 8. Last evaluated: 2025-08-30. Review status: criteria provided, single submitter. Criteria: Invitae Variant Classification Sherloc (09022015). Collection method: clinical testing. Allele origin: germline.
Comment: This sequence change replaces methionine, which is neutral and non-polar, with threonine, which is neutral and polar, at codon 17 of the DSP protein (p.Met17Thr). This variant is not present in population databases (gnomAD no frequency). This variant has not been reported in the literature in individuals affected with DSP-related conditions. ClinVar contains an entry for this variant (Variation ID: 1431128). An algorithm developed to predict the effect of missense changes on protein structure and function (PolyPhen-2) suggests that this variant is likely to be tolerated. In summary, the available evidence is currently insufficient to determine the role of this variant in disease. Therefore, it has been classified as a Variant of Uncertain Significance.

Ambry Genetics
Classification: Uncertain significance for Cardiovascular phenotype. Last evaluated: 2024-12-10. Review status: criteria provided, single submitter. Criteria: Ambry Variant Classification Scheme 2023. Collection method: clinical testing. Allele origin: germline.

All of Us Research Program, National Institutes of Health
Classification: Uncertain significance for Arrhythmogenic cardiomyopathy with wooly hair and keratoderma. Last evaluated: 2023-12-01. Review status: criteria provided, single submitter. Criteria: ACMG Guidelines, 2015. Collection method: clinical testing. Allele origin: germline. Inheritance: Autosomal dominant inheritance. Observed: 1 variant allele, 1 heterozygote.
Comment: This study involves interpretation of variants in research participants for the purpose of population health screening. Participant phenotype was not available at the time of variant classification. Additional details can be found in publication PMID: 35346344, PMCID: PMC8962531